The following is an entry in ClinVar:

ClinVar aggregate classification (germline): Uncertain significance. Review status: criteria provided, multiple submitters, no conflicts (2 of 4 stars). 3 submissions from 3 submitters: Uncertain significance (3). Last evaluated 2024-02-09.

Conditions:
Autosomal dominant nonsyndromic hearing loss 6 (LFSNHL). Also called: DEAFNESS, AUTOSOMAL DOMINANT 14; DEAFNESS, AUTOSOMAL DOMINANT 38; DEAFNESS, AUTOSOMAL DOMINANT 6; Autosomal dominant nonsyndromic deafness 6. Identifiers: Orphanet 90635, MedGen C1833021, MONDO:0010963, OMIM 600965.
Type 2 diabetes mellitus. Also called: Type II diabetes mellitus. Identifiers: MedGen C0011860, MeSH D003924, MONDO:0005148, OMIM 125853, HP:0005978.
Cataract 41 (CTRCT41). Also called: CATARACT 41, CONGENITAL NUCLEAR TYPE. Identifiers: Orphanet 91492, Orphanet 98991, Orphanet 98992, Orphanet 98995, MedGen C3805412, MONDO:0007287, OMIM 116400.
Wolfram syndrome 1 (WFS1). Identifiers: Orphanet 3463, MedGen C4551693, MONDO:0009101, OMIM 222300.
Wolfram-like syndrome. Also called: HEARING LOSS, PROGRESSIVE, WITH OPTIC ATROPHY AND/OR IMPAIRED GLUCOSE REGULATION. Identifiers: Orphanet 411590, MedGen C3280358, MONDO:0013673, OMIM 614296.

Allele frequency attached by ClinVar (database versions not stated): ESP Exome Variant Server 0.00008.
gnomAD v4.1: 68 of 1,613,916 alleles (0.0042%); highest among the groups gnomAD compares: Middle Eastern, 0.033%; no homozygotes.

Submissions (3):

Fulgent Genetics
Classification: Uncertain significance for Cataract 41; Type 2 diabetes mellitus; Wolfram syndrome 1; Autosomal dominant nonsyndromic hearing loss 6; Wolfram-like syndrome. Last evaluated: 2024-02-09. Review status: criteria provided, single submitter. Criteria: ACMG Guidelines, 2015. Collection method: clinical testing. Allele origin: germline.

Labcorp Genetics (formerly Invitae), Labcorp
Classification: Uncertain significance. Last evaluated: 2023-11-10. Review status: criteria provided, single submitter. Criteria: Invitae Variant Classification Sherloc (09022015). Collection method: clinical testing. Allele origin: germline.
Comment: This sequence change replaces valine, which is neutral and non-polar, with methionine, which is neutral and non-polar, at codon 644 of the WFS1 protein (p.Val644Met). This variant is present in population databases (rs141570700, gnomAD 0.005%). This variant has not been reported in the literature in individuals affected with WFS1-related conditions. ClinVar contains an entry for this variant (Variation ID: 1444830). Advanced modeling of protein sequence and biophysical properties (such as structural, functional, and spatial information, amino acid conservation, physicochemical variation, residue mobility, and thermodynamic stability) performed at Invitae indicates that this missense variant is not expected to disrupt WFS1 protein function with a negative predictive value of 95%. In summary, the available evidence is currently insufficient to determine the role of this variant in disease. Therefore, it has been classified as a Variant of Uncertain Significance.

Clinical Genomics, Uppaluri K&H Personalized Medicine Clinic
Classification: Uncertain significance for Wolfram syndrome 1. Review status: criteria provided, single submitter. Criteria: K & H Uppaluri Personalized Medicine Clinic Variant Classification & Assertion Criteria_Updated V.1. Collection method: research. Allele origin: unknown. Inheritance: Autosomal recessive inheritance.
Comment: Potent mutations in WFS1 gene are associated with Wolfram's syndrome, an autosomal recessive condition, which cause diabetes mellitus, diabetes insipidus, deafness and optic atrophy. However no sufficient evidence is found to ascertain the role of this particular variant rs141570700 in Wolfram's syndrome yet.

Literature cited by the submitters: PubMed 20738327 (cited by Clinical Genomics, Uppaluri K&H Personalized Medicine Clinic); PubMed 33879153 (cited by Clinical Genomics, Uppaluri K&H Personalized Medicine Clinic); PubMed 12955714 (cited by Clinical Genomics, Uppaluri K&H Personalized Medicine Clinic); PubMed 18060660 (cited by Clinical Genomics, Uppaluri K&H Personalized Medicine Clinic); PubMed 20301750 (cited by Clinical Genomics, Uppaluri K&H Personalized Medicine Clinic); PubMed 17603484 (cited by Clinical Genomics, Uppaluri K&H Personalized Medicine Clinic).

NM_006005.3(WFS1):c.1930G>A (p.Val644Met)

Gene: WFS1 (wolframin ER transmembrane glycoprotein; plus strand). Cytogenetic location: 4p16.1.
Variant type: single nucleotide variant.
Coding change: c.1930G>A on transcript NM_006005.3 (MANE Select); coding-DNA position 1930, G replaced by A.
Protein change: p.Val644Met; replaces valine 644 with methionine.
Molecular consequence: missense variant.
Genome position (GRCh38, 1-based): chr4:6,301,725, G>A. VCF-style: chr4-6301725-G-A. GRCh37 (hg19) VCF-style: chr4-6303452-G-A.
Other names: c.1930G>A, p.Val644Met (NM_001145853.1); short protein forms V644M.
Identifiers: ClinVar variation 1444830 (VCV001444830.11), dbSNP rs141570700, ClinGen allele CA2839551.